The following is an entry in ClinVar:

ClinVar aggregate classification (germline): Conflicting classifications of pathogenicity. Review status: criteria provided, conflicting classifications (1 of 4 stars). 3 submissions from 3 submitters: Uncertain significance (2); Likely benign (1). Last evaluated 2025-12-15.

Conditions:
Hereditary cancer-predisposing syndrome. Also called: Hereditary neoplastic syndrome; Neoplastic Syndromes, Hereditary; Tumor predisposition; Hereditary Cancer Syndrome. Identifiers: Orphanet 140162, MedGen C0027672, MeSH D009386, MONDO:0015356.

Allele frequency attached by ClinVar (database versions not stated): gnomAD 0.00001.
gnomAD v4.1: 7 of 1,609,754 alleles (0.00043%); highest among the groups gnomAD compares: African/African-American, 0.0027%; no homozygotes.

Submissions (3):

Labcorp Genetics (formerly Invitae), Labcorp
Classification: Uncertain significance. Last evaluated: 2025-12-15. Review status: criteria provided, single submitter. Criteria: Invitae Variant Classification Sherloc (09022015). Collection method: clinical testing. Allele origin: germline.
Comment: This sequence change replaces aspartic acid, which is acidic and polar, with asparagine, which is neutral and polar, at codon 1752 of the POLE protein (p.Asp1752Asn). This variant is present in population databases (no rsID available, gnomAD 0.004%). This variant has not been reported in the literature in individuals affected with POLE-related conditions. ClinVar contains an entry for this variant (Variation ID: 948043). Invitae Evidence Modeling of protein sequence and biophysical properties (such as structural, functional, and spatial information, amino acid conservation, physicochemical variation, residue mobility, and thermodynamic stability) indicates that this missense variant is not expected to disrupt POLE protein function with a negative predictive value of 80%. In summary, the available evidence is currently insufficient to determine the role of this variant in disease. Therefore, it has been classified as a Variant of Uncertain Significance.

Ambry Genetics
Classification: Likely benign for Hereditary cancer-predisposing syndrome. Last evaluated: 2025-04-21. Review status: criteria provided, single submitter. Criteria: Ambry Variant Classification Scheme 2023. Collection method: clinical testing. Allele origin: germline.

GeneDx
Classification: Uncertain significance. Last evaluated: 2023-11-08. Review status: criteria provided, single submitter. Criteria: GeneDx Variant Classification Process June 2021. Collection method: clinical testing. Allele origin: germline. Affected: yes.
Comment: Not observed at significant frequency in large population cohorts (gnomAD); In silico analysis supports that this missense variant does not alter protein structure/function; Has not been previously published as pathogenic or benign to our knowledge; In vitro functional yeast studies show that p.(D1752N) does not affect mutation rates (PMID: 29352080); This variant is associated with the following publications: (PMID: 28427513, 23263490, 29352080)

NM_006231.4(POLE):c.5254G>A (p.Asp1752Asn)

Gene: POLE (DNA polymerase epsilon, catalytic subunit; minus strand). Cytogenetic location: 12q24.33.
Variant type: single nucleotide variant.
Coding change: c.5254G>A on transcript NM_006231.4 (MANE Select); coding-DNA position 5254, G replaced by A.
Protein change: p.Asp1752Asn; replaces aspartic acid 1752 with asparagine.
Molecular consequence: missense variant.
Genome position (GRCh38, 1-based): chr12:132,641,771, C>T on the plus strand (G>A on the coding strand, the complement: POLE is on the minus strand). VCF-style: chr12-132641771-C-T. GRCh37 (hg19) VCF-style: chr12-133218357-C-T.
Other names: c.5254G>A (NM_006231.2); short protein forms D1752N.
Identifiers: ClinVar variation 948043 (VCV000948043.9), dbSNP rs1335665224, ClinGen allele CA387376312.
Genomic context (GRCh38, chr12:132,641,771, plus strand): 5'-CCGTGATCATGTCCTCCAGGGAGGCCTGCTGGATCACGTCGAAGCTGATCCCCATGCTGT[C>T]GGCCCCCTCCATGTCGTTGACATGGTGAGACTGGAGAATGGTGTTGACGGCCAGGTTCTG-3'
Protein context (NP_006222.2, residues 1742-1762): SHHVNDMEGA[Asp1752Asn]SMGISFDVIQ